The following is an entry in ClinVar:

ClinVar aggregate classification (germline): Uncertain significance (1 of 4 stars; one submission).

Conditions:
Autosomal recessive limb-girdle muscular dystrophy type 2A (LGMDR1). Also called: Muscular dystrophy, limb-girdle, type 2A, Amish; MUSCULAR DYSTROPHY, PELVOFEMORAL; Limb-girdle muscular dystrophy, type 2A; Calpainopathy; LEYDEN-MOEBIUS MUSCULAR DYSTROPHY. Identifiers: Orphanet 267, MedGen C1869123, MONDO:0009675, OMIM 253600. Disease mechanism: loss of function.

Allele frequency attached by ClinVar (database versions not stated): gnomAD exomes below 0.00001 and 0.00003.
gnomAD v4.1: 40 of 1,614,054 alleles (0.0025%); highest among the groups gnomAD compares: Non-Finnish European, 0.0032%; no homozygotes.

Submission:

Labcorp Genetics (formerly Invitae), Labcorp
Classification: Uncertain significance for Autosomal recessive limb-girdle muscular dystrophy type 2A. Last evaluated: 2021-08-27. Review status: criteria provided, single submitter. Criteria: Invitae Variant Classification Sherloc (09022015). Collection method: clinical testing. Allele origin: germline.
Comment: This sequence change replaces leucine with histidine at codon 299 of the CAPN3 protein (p.Leu299His). The leucine residue is moderately conserved and there is a moderate physicochemical difference between leucine and histidine. This variant is not present in population databases (ExAC no frequency). This variant has not been reported in the literature in individuals affected with CAPN3-related conditions. Algorithms developed to predict the effect of missense changes on protein structure and function are either unavailable or do not agree on the potential impact of this missense change (SIFT: "Deleterious"; PolyPhen-2: "Possibly Damaging"; Align-GVGD: "Class C0"). In summary, the available evidence is currently insufficient to determine the role of this variant in disease. Therefore, it has been classified as a Variant of Uncertain Significance.

NM_000070.3(CAPN3):c.896T>A (p.Leu299His)

Gene: CAPN3 (calpain 3; plus strand). Cytogenetic location: 15q15.1.
Variant type: single nucleotide variant.
Coding change: c.896T>A on transcript NM_000070.3 (MANE Select); coding-DNA position 896, T replaced by A.
Protein change: p.Leu299His; replaces leucine 299 with histidine.
Molecular consequence: missense variant. On other transcripts: intron variant (1).
Genome position (GRCh38, 1-based): chr15:42,390,047, T>A. VCF-style: chr15-42390047-T-A. GRCh37 (hg19) VCF-style: chr15-42682245-T-A.
Other names: c.896T>A, p.Leu299His (NM_024344.2); c.801+951T>A (NM_173087.2); short protein forms L299H.
Identifiers: ClinVar variation 1063836 (VCV001063836.2), dbSNP rs985712258, ClinGen allele CA269835622.